The following is an entry in ClinVar:

NM_006218.4(PIK3CA):c.179A>C (p.Gln60Pro)

Gene: PIK3CA (phosphatidylinositol-4,5-bisphosphate 3-kinase catalytic subunit alpha; plus strand). Cytogenetic location: 3q26.32.
Variant type: single nucleotide variant.
Coding change: c.179A>C on transcript NM_006218.4 (MANE Select); coding-DNA position 179, A replaced by C.
Protein change: p.Gln60Pro; replaces glutamine 60 with proline.
Molecular consequence: missense variant.
Genome position (GRCh38, 1-based): chr3:179,199,004, A>C. VCF-style: chr3-179199004-A-C. GRCh37 (hg19) VCF-style: chr3-178916792-A-C.
Other names: short protein forms Q60P.
Identifiers: ClinVar variation 1780320 (VCV001780320.2), dbSNP rs2108385714, ClinGen allele CA355271659.

ClinVar aggregate classification (germline): Uncertain significance (1 of 4 stars; one submission).

Conditions:
Inborn genetic diseases. Identifiers: MedGen C0950123, MeSH D030342.

Submission:

Ambry Genetics
Classification: Uncertain significance for Inborn genetic diseases. Last evaluated: 2022-05-28. Review status: criteria provided, single submitter. Criteria: Ambry Variant Classification Scheme 2023. Collection method: clinical testing. Allele origin: germline.
Comment: The p.Q60P variant (also known as c.179A>C), located in coding exon 1 of the PIK3CA gene, results from an A to C substitution at nucleotide position 179. The glutamine at codon 60 is replaced by proline, an amino acid with similar properties. This amino acid position is conserved. In addition, the in silico prediction for this alteration is inconclusive. Since supporting evidence is limited at this time, the clinical significance of this alteration remains unclear.